The following is an entry in ClinVar:

ClinVar aggregate classification (germline): Uncertain significance (1 of 4 stars; one submission).

Conditions:
Usher syndrome type 3B. Also called: USHER SYNDROME, TYPE IIIB. Identifiers: MedGen C3281066, MONDO:0013788, OMIM 614504.

Submission:

Labcorp Genetics (formerly Invitae), Labcorp
Classification: Uncertain significance for Usher syndrome type 3B. Last evaluated: 2024-06-22. Review status: criteria provided, single submitter. Criteria: Invitae Variant Classification Sherloc (09022015). Collection method: clinical testing. Allele origin: germline.
Comment: This sequence change replaces glycine, which is neutral and non-polar, with alanine, which is neutral and non-polar, at codon 313 of the HARS protein (p.Gly313Ala). This variant is not present in population databases (gnomAD no frequency). This variant has not been reported in the literature in individuals affected with HARS-related conditions. Advanced modeling of protein sequence and biophysical properties (such as structural, functional, and spatial information, amino acid conservation, physicochemical variation, residue mobility, and thermodynamic stability) performed at Invitae indicates that this missense variant is not expected to disrupt HARS protein function with a negative predictive value of 80%. In summary, the available evidence is currently insufficient to determine the role of this variant in disease. Therefore, it has been classified as a Variant of Uncertain Significance.

NM_002109.6(HARS1):c.938G>C (p.Gly313Ala)

Gene: HARS1 (histidyl-tRNA synthetase 1; minus strand). Cytogenetic location: 5q31.3.
Variant type: single nucleotide variant.
Coding change: c.938G>C on transcript NM_002109.6 (MANE Select); coding-DNA position 938, G replaced by C.
Protein change: p.Gly313Ala; replaces glycine 313 with alanine.
Molecular consequence: missense variant.
Genome position (GRCh38, 1-based): chr5:140,677,002, C>G on the plus strand (G>C on the coding strand, the complement: HARS1 is on the minus strand). VCF-style: chr5-140677002-C-G. GRCh37 (hg19) VCF-style: chr5-140056587-C-G.
Other names: c.818G>C, p.Gly273Ala (NM_001258040.3); c.878G>C, p.Gly293Ala (NM_001258041.3); c.758G>C, p.Gly253Ala (NM_001258042.3); c.716G>C, p.Gly239Ala (NM_001289092.2); c.596G>C, p.Gly199Ala (NM_001289093.2); c.851G>C, p.Gly284Ala (NM_001289094.2); short protein forms G253A, G313A, G239A, G273A, G293A, G199A, G284A.
Identifiers: ClinVar variation 3657499 (VCV003657499.2).
Genomic context (GRCh38, chr5:140,677,002, plus strand): 5'-CTGAAGCCCCAGAGCTCAGAAGGGATCCCGTCCCCAACTTGACTCACTTTGTCATCAATG[C>G]CAAATAGGGTCAGGTACTCAAAGAGCAACTTCAGGTCTCCCAGGCCCTCCAAGGCCTGCT-3'
Protein context (NP_002100.2, residues 303-323): KLLFEYLTLF[Gly313Ala]IDDKISFDLS